The following is an entry in ClinVar:

ClinVar aggregate classification (germline): Uncertain significance. Review status: criteria provided, multiple submitters, no conflicts (2 of 4 stars). 4 submissions from 4 submitters: Uncertain significance (4). Last evaluated 2025-08-07.

Conditions:
Patterned macular dystrophy 2. Identifiers: Orphanet 99001, MedGen C1837029, MONDO:0012162, OMIM 608970.
Hereditary cancer-predisposing syndrome. Also called: Hereditary neoplastic syndrome; Tumor predisposition; Neoplastic Syndromes, Hereditary; Hereditary Cancer Syndrome. Identifiers: Orphanet 140162, MedGen C0027672, MeSH D009386, MONDO:0015356.
Hereditary nonpolyposis colon cancer (HNPCC). Also called: Hereditary nonpolyposis colorectal cancer; Familial nonpolyposis colon cancer; Hereditary Nonpolyposis Colorectal Cancer Syndrome. Identifiers: Orphanet 443909, MedGen C1333990, MONDO:0018630. Disease mechanism: loss of function.

Allele frequency attached by ClinVar (database versions not stated): TOPMed below 0.00001; gnomAD 0.00001; gnomAD exomes 0.00001.

Submissions (4):

Labcorp Genetics (formerly Invitae), Labcorp
Classification: Uncertain significance. Last evaluated: 2025-08-07. Review status: criteria provided, single submitter. Criteria: Invitae Variant Classification Sherloc (09022015). Collection method: clinical testing. Allele origin: germline.
Comment: This sequence change replaces aspartic acid, which is acidic and polar, with asparagine, which is neutral and polar, at codon 205 of the CTNNA1 protein (p.Asp205Asn). This variant is present in population databases (no rsID available, gnomAD 0.0009%). This variant has not been reported in the literature in individuals affected with CTNNA1-related conditions. ClinVar contains an entry for this variant (Variation ID: 656739). Invitae Evidence Modeling of protein sequence and biophysical properties (such as structural, functional, and spatial information, amino acid conservation, physicochemical variation, residue mobility, and thermodynamic stability) has been performed for this missense variant. However, the output from this modeling did not meet the statistical confidence thresholds required to predict the impact of this variant on CTNNA1 protein function. In summary, the available evidence is currently insufficient to determine the role of this variant in disease. Therefore, it has been classified as a Variant of Uncertain Significance.

Ambry Genetics
Classification: Uncertain significance for Hereditary cancer-predisposing syndrome. Last evaluated: 2024-06-04. Review status: criteria provided, single submitter. Criteria: Ambry Variant Classification Scheme 2023. Collection method: clinical testing. Allele origin: germline.
Comment: The p.D205N variant (also known as c.613G>A), located in coding exon 5 of the CTNNA1 gene, results from a G to A substitution at nucleotide position 613. The aspartic acid at codon 205 is replaced by asparagine, an amino acid with highly similar properties. This amino acid position is highly conserved in available vertebrate species. In addition, this alteration is predicted to be tolerated by in silico analysis. The evidence for this gene-disease relationship is limited; therefore, the clinical significance of this alteration is unclear.

Baylor Genetics
Classification: Uncertain significance for Patterned macular dystrophy 2. Last evaluated: 2024-02-20. Review status: criteria provided, single submitter. Criteria: ACMG Guidelines, 2015. Collection method: clinical testing. Allele origin: unknown.

Department of Pathology and Laboratory Medicine, Sinai Health System
Classification: Uncertain significance for hereditary nonpolyposis colon cancer. Last evaluated: 2022-05-31. Review status: criteria provided, single submitter. Criteria: ACMG Guidelines, 2015. Collection method: clinical testing. Allele origin: germline. Affected: no.

Literature cited by the submitters: PubMed 32051609 (cited by Ambry Genetics).

NM_001903.5(CTNNA1):c.613G>A (p.Asp205Asn)

Gene: CTNNA1 (catenin alpha 1; plus strand). Cytogenetic location: 5q31.2.
Variant type: single nucleotide variant.
Coding change: c.613G>A on transcript NM_001903.5 (MANE Select); coding-DNA position 613, G replaced by A.
Protein change: p.Asp205Asn; replaces aspartic acid 205 with asparagine.
Molecular consequence: missense variant.
Genome position (GRCh38, 1-based): chr5:138,824,554, G>A. VCF-style: chr5-138824554-G-A. GRCh37 (hg19) VCF-style: chr5-138160243-G-A.
Other names: c.613G>A, p.Asp205Asn (NM_001290307.3, NM_001323982.2, NM_001323983.1 and 3 more transcripts); c.304G>A, p.Asp102Asn (NM_001290309.3); c.244G>A, p.Asp82Asn (NM_001290310.3); short protein forms D102N, D205N, D82N.
Identifiers: ClinVar variation 656739 (VCV000656739.17), dbSNP rs1250763367, ClinGen allele CA361129446.